The following is an entry in ClinVar:

ClinVar aggregate classification (germline): Uncertain significance (1 of 4 stars; one submission).

Conditions:
Kabuki syndrome. Also called: NIIKAWA-KUROKI SYNDROME; Kabuki make-up syndrome. Identifiers: Orphanet 2322, MedGen C0796004, MONDO:0016512.

Submission:

Labcorp Genetics (formerly Invitae), Labcorp
Classification: Uncertain significance for Kabuki syndrome. Last evaluated: 2021-07-24. Review status: criteria provided, single submitter. Criteria: Invitae Variant Classification Sherloc (09022015). Collection method: clinical testing. Allele origin: germline.
Comment: Advanced modeling of protein sequence and biophysical properties (such as structural, functional, and spatial information, amino acid conservation, physicochemical variation, residue mobility, and thermodynamic stability) performed at Invitae indicates that this missense variant is not expected to disrupt KMT2D protein function. This variant has not been reported in the literature in individuals affected with KMT2D-related conditions. This variant is not present in population databases (ExAC no frequency). This sequence change replaces alanine with threonine at codon 531 of the KMT2D protein (p.Ala531Thr). The alanine residue is weakly conserved and there is a small physicochemical difference between alanine and threonine. In summary, the available evidence is currently insufficient to determine the role of this variant in disease. Therefore, it has been classified as a Variant of Uncertain Significance.

NM_003482.4(KMT2D):c.1591G>A (p.Ala531Thr)

Gene: KMT2D (lysine methyltransferase 2D; minus strand). Cytogenetic location: 12q13.12.
Variant type: single nucleotide variant.
Coding change: c.1591G>A on transcript NM_003482.4 (MANE Select); coding-DNA position 1591, G replaced by A.
Protein change: p.Ala531Thr; replaces alanine 531 with threonine.
Molecular consequence: missense variant.
Genome position (GRCh38, 1-based): chr12:49,052,092, C>T on the plus strand (G>A on the coding strand, the complement: KMT2D is on the minus strand). VCF-style: chr12-49052092-C-T. GRCh37 (hg19) VCF-style: chr12-49445875-C-T.
Other names: short protein forms A531T.
Identifiers: ClinVar variation 1427890 (VCV001427890.8), dbSNP rs2120681038, ClinGen allele CA384674311.